The following is an entry in ClinVar:

NM_001166108.2(PALLD):c.1935G>C (p.Glu645Asp)

Gene: PALLD (palladin, cytoskeletal associated protein; plus strand). Cytogenetic location: 4q32.3.
Variant type: single nucleotide variant.
Coding change: c.1935G>C on transcript NM_001166108.2 (MANE Select); coding-DNA position 1935, G replaced by C.
Protein change: p.Glu645Asp; replaces glutamic acid 645 with aspartic acid.
Molecular consequence: missense variant.
Genome position (GRCh38, 1-based): chr4:168,711,894, G>C. VCF-style: chr4-168711894-G-C. GRCh37 (hg19) VCF-style: chr4-169633045-G-C.
Other names: c.789G>C, p.Glu263Asp (NM_001166109.2); c.1935G>C, p.Glu645Asp (NM_016081.4); short protein forms E645D, E263D.
Identifiers: ClinVar variation 1782957 (VCV001782957.2), dbSNP rs764826853, ClinGen allele CA358798829.

ClinVar aggregate classification (germline): Uncertain significance (1 of 4 stars; one submission).

gnomAD v4.1: 14 of 1,614,048 alleles (0.00087%); highest among the groups gnomAD compares: Non-Finnish European, 0.0012%; no homozygotes.

Submission:

Ambry Genetics
Classification: Uncertain significance. Last evaluated: 2021-07-31. Review status: criteria provided, single submitter. Criteria: Ambry Variant Classification Scheme 2023. Collection method: clinical testing. Allele origin: germline.
Comment: The p.E645D variant (also known as c.1935G>C), located in coding exon 9 of the PALLD gene, results from a G to C substitution at nucleotide position 1935. The glutamic acid at codon 645 is replaced by aspartic acid, an amino acid with highly similar properties. This amino acid position is conserved. In addition, this alteration is predicted to be tolerated by in silico analysis. Since supporting evidence is limited at this time, the clinical significance of this alteration remains unclear.